The following is an entry in ClinVar:

ClinVar aggregate classification (germline): Pathogenic (0 of 4 stars; one submission).

Conditions:
Schinzel phocomelia syndrome. Also called: Phocomelia, Schinzel type; AL-AWADI/RAAS-ROTHSCHILD SYNDROME; LIMB/PELVIS-HYPOPLASIA/APLASIA SYNDROME; ULNA AND FIBULA, ABSENCE OF, WITH SEVERE LIMB DEFICIENCY. Identifiers: Orphanet 2879, MedGen C1848651, MONDO:0010164, OMIM 276820.

Allele frequency attached by ClinVar (database versions not stated): gnomAD exomes below 0.00001.

Submission:

Medical Genetics Unit, Zeynep Kamil Women and Children's Hospital
Classification: Pathogenic for Schinzel phocomelia syndrome. Last evaluated: 2016-08-08. Review status: no assertion criteria provided. Collection method: clinical testing. Allele origin: inherited. Inheritance: Autosomal recessive inheritance. Affected: yes and no. Observed: 3 variant alleles, 2 heterozygotes, 1 homozygote.
Comment: Prenatally detected Al-Awadi/Raas-Rothschild Syndrome

NM_004625.4(WNT7A):c.304C>T (p.Arg102Trp)

Genes: WNT7A (Wnt family member 7A; minus strand), LOC126806608 (P300/CBP strongly-dependent group 1 enhancer GRCh37_chr3:13895244-13896443; plus strand). Cytogenetic location: 3p25.1.
Variant type: single nucleotide variant.
Coding change: c.304C>T on transcript NM_004625.4 (MANE Select); coding-DNA position 304, C replaced by T.
Protein change: p.Arg102Trp; replaces arginine 102 with tryptophan.
Molecular consequence: missense variant.
Genome position (GRCh38, 1-based): chr3:13,854,798, G>A on the plus strand (C>T on the coding strand, the complement: WNT7A is on the minus strand). VCF-style: chr3-13854798-G-A. GRCh37 (hg19) VCF-style: chr3-13896295-G-A.
Other names: short protein forms R102W.
Identifiers: ClinVar variation 253008 (VCV000253008.3), dbSNP rs879255548, ClinGen allele CA10586154.